The following is an entry in ClinVar:

NM_018136.5(ASPM):c.2512T>G (p.Leu838Val)

Gene: ASPM (assembly factor for spindle microtubules; minus strand). Cytogenetic location: 1q31.3.
Variant type: single nucleotide variant.
Coding change: c.2512T>G on transcript NM_018136.5 (MANE Select); coding-DNA position 2512, T replaced by G.
Protein change: p.Leu838Val; replaces leucine 838 with valine.
Molecular consequence: missense variant.
Genome position (GRCh38, 1-based): chr1:197,130,032, A>C on the plus strand (T>G on the coding strand, the complement: ASPM is on the minus strand). VCF-style: chr1-197130032-A-C. GRCh37 (hg19) VCF-style: chr1-197099162-A-C.
Other names: c.2512T>G, p.Leu838Val (NM_001206846.2); short protein forms L838V.
Identifiers: ClinVar variation 1929184 (VCV001929184.4), dbSNP rs765390340, ClinGen allele CA1310420.

ClinVar aggregate classification (germline): Uncertain significance (1 of 4 stars; one submission).

Allele frequency attached by ClinVar (database versions not stated): ExAC 0.00001; gnomAD 0.00001.
gnomAD v4.1: 3 of 1,613,788 alleles (0.00019%); highest among the groups gnomAD compares: Admixed American, 0.0033%; no homozygotes.

Submission:

Labcorp Genetics (formerly Invitae), Labcorp
Classification: Uncertain significance. Last evaluated: 2022-03-16. Review status: criteria provided, single submitter. Criteria: Invitae Variant Classification Sherloc (09022015). Collection method: clinical testing. Allele origin: germline.
Comment: This sequence change replaces leucine, which is neutral and non-polar, with valine, which is neutral and non-polar, at codon 838 of the ASPM protein (p.Leu838Val). This variant is present in population databases (rs765390340, gnomAD 0.003%). This variant has not been reported in the literature in individuals affected with ASPM-related conditions. Algorithms developed to predict the effect of missense changes on protein structure and function are either unavailable or do not agree on the potential impact of this missense change (SIFT: "Deleterious"; PolyPhen-2: "Probably Damaging"; Align-GVGD: "Class C0"). In summary, the available evidence is currently insufficient to determine the role of this variant in disease. Therefore, it has been classified as a Variant of Uncertain Significance.